The following is an entry in ClinVar:

ClinVar aggregate classification (germline): Conflicting classifications of pathogenicity. Review status: criteria provided, conflicting classifications (1 of 4 stars). 5 submissions from 5 submitters: Uncertain significance (4); Likely benign (1). Last evaluated 2026-08-01.

Conditions:
Inborn genetic diseases. Identifiers: MedGen C0950123, MeSH D030342.
NEFH-related disorder. Also called: NEFH-related condition.

Allele frequency attached by ClinVar (database versions not stated): ExAC 0.00004; gnomAD 0.00006; gnomAD exomes 0.00006; TOPMed 0.00009.
gnomAD v4.1: 103 of 1,609,188 alleles (0.0064%); highest among the groups gnomAD compares: Non-Finnish European, 0.0081%; no homozygotes.

Submissions (5):

CeGaT Center for Human Genetics Tuebingen
Classification: Uncertain significance. Last evaluated: 2026-08-01. Review status: criteria provided, single submitter. Criteria: CeGaT Center For Human Genetics Tuebingen Variant Classification Criteria Version 2. Collection method: clinical testing. Allele origin: germline. Affected: yes. Observed: 1 variant allele.
Comment: NEFH: PP2, BP4

Labcorp Genetics (formerly Invitae), Labcorp
Classification: Uncertain significance. Last evaluated: 2025-11-23. Review status: criteria provided, single submitter. Criteria: Invitae Variant Classification Sherloc (09022015). Collection method: clinical testing. Allele origin: germline.
Comment: This sequence change replaces serine, which is neutral and polar, with proline, which is neutral and non-polar, at codon 634 of the NEFH protein (p.Ser634Pro). This variant is present in population databases (rs768576403, gnomAD 0.01%). This variant has not been reported in the literature in individuals affected with NEFH-related conditions. ClinVar contains an entry for this variant (Variation ID: 1412432). Invitae Evidence Modeling of protein sequence and biophysical properties (such as structural, functional, and spatial information, amino acid conservation, physicochemical variation, residue mobility, and thermodynamic stability) indicates that this missense variant is not expected to disrupt NEFH protein function with a negative predictive value of 95%. In summary, the available evidence is currently insufficient to determine the role of this variant in disease. Therefore, it has been classified as a Variant of Uncertain Significance.

Mayo Clinic Laboratories, Mayo Clinic
Classification: Uncertain significance. Last evaluated: 2025-06-20. Review status: criteria provided, single submitter. Criteria: ACMG Guidelines, 2015. Collection method: clinical testing. Allele origin: germline. Observed: 1 variant allele.

PreventionGenetics, part of Exact Sciences
Classification: Uncertain significance for NEFH-related condition. Last evaluated: 2024-10-15. Review status: criteria provided, single submitter. Criteria: ACMG Guidelines, 2015. Collection method: clinical testing. Allele origin: germline.
Comment: The NEFH c.1900T>C variant is predicted to result in the amino acid substitution p.Ser634Pro. To our knowledge, this variant has not been reported in the literature. This variant is reported in 0.012% of alleles in individuals of European (Non-Finnish) descent in gnomAD. At this time, the clinical significance of this variant is uncertain due to the absence of conclusive functional and genetic evidence.

Ambry Genetics
Classification: Likely benign for Inborn genetic diseases. Last evaluated: 2020-05-20. Review status: criteria provided, single submitter. Criteria: Ambry Variant Classification Scheme 2023. Collection method: clinical testing. Allele origin: germline.

NM_021076.4(NEFH):c.1900T>C (p.Ser634Pro)

Gene: NEFH (neurofilament heavy chain; plus strand). Cytogenetic location: 22q12.2.
Variant type: single nucleotide variant.
Coding change: c.1900T>C on transcript NM_021076.4 (MANE Select); coding-DNA position 1900, T replaced by C.
Protein change: p.Ser634Pro; replaces serine 634 with proline.
Molecular consequence: missense variant.
Genome position (GRCh38, 1-based): chr22:29,489,540, T>C. VCF-style: chr22-29489540-T-C. GRCh37 (hg19) VCF-style: chr22-29885529-T-C.
Other names: p.Ser634Pro; short protein forms S634P.
Identifiers: ClinVar variation 1412432 (VCV001412432.11), dbSNP rs768576403, ClinGen allele CA10174291.